The following is an entry in ClinVar:

NM_004656.4(BAP1):c.1726A>C (p.Thr576Pro)

Gene: BAP1 (BRCA1 associated deubiquitinase 1; minus strand). Cytogenetic location: 3p21.1.
Variant type: single nucleotide variant.
Coding change: c.1726A>C on transcript NM_004656.4 (MANE Select); coding-DNA position 1726, A replaced by C.
Protein change: p.Thr576Pro; replaces threonine 576 with proline.
Molecular consequence: missense variant.
Genome position (GRCh38, 1-based): chr3:52,403,419, T>G on the plus strand (A>C on the coding strand, the complement: BAP1 is on the minus strand). VCF-style: chr3-52403419-T-G. GRCh37 (hg19) VCF-style: chr3-52437435-T-G.
Other names: c.1726A>C (NM_004656.2); short protein forms T576P.
Identifiers: ClinVar variation 1418046 (VCV001418046.7), dbSNP rs2153226569, ClinGen allele CA353099524.

ClinVar aggregate classification (germline): Conflicting classifications of pathogenicity. Review status: criteria provided, conflicting classifications (1 of 4 stars). 2 submissions from 2 submitters: Uncertain significance (1); Benign (1). Last evaluated 2026-02-20.

Conditions:
Hereditary cancer-predisposing syndrome. Also called: Neoplastic Syndromes, Hereditary; Tumor predisposition; Hereditary Cancer Syndrome; Hereditary neoplastic syndrome. Identifiers: Orphanet 140162, MedGen C0027672, MeSH D009386, MONDO:0015356.
BAP1-related tumor predisposition syndrome (TPDS1). Also called: COMMON Syndrome; Tumor susceptibility linked to germline BAP1 mutations; TUMOR PREDISPOSITION SYNDROME 1; BAP1 tumor predisposition syndrome. Identifiers: Orphanet 289539, MedGen C3280492, MONDO:0013692, OMIM 614327.

gnomAD v4.1: 1 of 1,613,666 alleles (0.000062%); highest among the groups gnomAD compares: African/African-American, 0.0013%; no homozygotes.

Submissions (2):

Ambry Genetics
Classification: Benign for Hereditary cancer-predisposing syndrome. Last evaluated: 2026-02-20. Review status: criteria provided, single submitter. Criteria: Ambry Variant Classification Scheme 2023. Collection method: clinical testing. Allele origin: germline.

Labcorp Genetics (formerly Invitae), Labcorp
Classification: Uncertain significance for BAP1-related tumor predisposition syndrome. Last evaluated: 2025-01-12. Review status: criteria provided, single submitter. Criteria: Invitae Variant Classification Sherloc (09022015). Collection method: clinical testing. Allele origin: germline.
Comment: This sequence change replaces threonine, which is neutral and polar, with proline, which is neutral and non-polar, at codon 576 of the BAP1 protein (p.Thr576Pro). This variant is not present in population databases (gnomAD no frequency). This variant has not been reported in the literature in individuals affected with BAP1-related conditions. ClinVar contains an entry for this variant (Variation ID: 1418046). Invitae Evidence Modeling of protein sequence and biophysical properties (such as structural, functional, and spatial information, amino acid conservation, physicochemical variation, residue mobility, and thermodynamic stability) indicates that this missense variant is not expected to disrupt BAP1 protein function with a negative predictive value of 80%. In summary, the available evidence is currently insufficient to determine the role of this variant in disease. Therefore, it has been classified as a Variant of Uncertain Significance.